The following is an entry in ClinVar:

NM_001323289.2(CDKL5):c.180G>A (p.Glu60=)

Gene: CDKL5 (cyclin dependent kinase like 5; plus strand). Cytogenetic location: Xp22.13.
Variant type: single nucleotide variant.
Coding change: c.180G>A on transcript NM_001323289.2 (MANE Select); coding-DNA position 180, G replaced by A.
Protein change: p.Glu60=; no amino-acid change (glutamic acid 60 retained).
Molecular consequence: synonymous variant.
Genome position (GRCh38, 1-based): chrX:18,575,388, G>A. VCF-style: chrX-18575388-G-A. GRCh37 (hg19) VCF-style: chrX-18593508-G-A.
Other names: p.E60E:GAG>GAA; c.180G>A, p.Glu60= (NM_001037343.2, NM_003159.3).
Identifiers: ClinVar variation 94107 (VCV000094107.24), dbSNP rs148697943, ClinGen allele CA200253.
Genomic context (GRCh38, chrX:18,575,388, plus strand): 5'-TCTCTTCACCATTGTTTACATTCTAGAAAATGAAGAAGTCAAAGAAACGACTTTACGAGA[G>A]CTTAAAATGCTTCGGACTCTCAAGCAGGAAAACATTGTGGAGTTGAAGGAAGCATTTCGT-3'
Protein context (NP_001310218.1, residues 50-70): NEEVKETTLR[Glu60=]LKMLRTLKQE

ClinVar aggregate classification (germline): Benign. Review status: reviewed by expert panel (3 of 4 stars). 7 submissions from 7 submitters: Benign (1). 6 of the submissions do not count toward it. Last evaluated 2021-03-26.

Conditions:
CDKL5 disorder. Identifiers: MedGen CN296942, MONDO:0100039.
Angelman syndrome-like. Identifiers: MedGen CN128785.
Developmental and epileptic encephalopathy, 2 (DEE2). Also called: INFANTILE SPASM SYNDROME, X-LINKED 2; CDKL5 deficiency disorder. Identifiers: Orphanet 1934, Orphanet 3451, Orphanet 505652, MedGen C4750718, MONDO:0010396, OMIM 300672.
CDKL5-related disorder.

Allele frequency attached by ClinVar (database versions not stated): gnomAD 0.00026 and 0.00018; TOPMed 0.00044; ExAC 0.00062; gnomAD exomes 0.00072 and 0.00016; 1000 Genomes Project 0.00132; 1000 Genomes Project 30x 0.00166.
gnomAD v4.1: 215 of 1,206,750 alleles (0.018%); highest among the groups gnomAD compares: East Asian, 0.48%; no homozygotes.

Submissions (7):

ClinGen Rett and Angelman-like Disorders Variant Curation Expert Panel
Classification: Benign for CDKL5 disorder. Last evaluated: 2021-03-26. Review status: reviewed by expert panel. Criteria: ClinGen RettAS ACMG Specifications V1. Collection method: curation. Allele origin: germline. Inheritance: X-linked inheritance.
Comment: The allele frequency of the p.Glu60= variant in CDKL5 is 0.9% in East Asian sub population in gnomAD, which is high enough to be classified as benign based on thresholds defined by the ClinGen Rett/Angelman-like Expert Panel for Rett/AS-like conditions (BA1). The p.Glu60= variant is observed in at least 1 unaffected individual (internal database) (BS2_supporting). The silent p.Glu60= variant is not predicted to affect splicing using multiple computational tools and does not affect a highly conserved nucleotide (BP7). In summary, the p.Glu60= variant in CDKL5 is classified as benign based on the ACMG/AMP criteria (BA1, BS2_supporting, BP7).

Labcorp Genetics (formerly Invitae), Labcorp
Classification: Benign for Developmental and epileptic encephalopathy, 2; Angelman syndrome-like. Last evaluated: 2026-01-19. Review status: criteria provided, single submitter. Criteria: Invitae Variant Classification Sherloc (09022015). Collection method: clinical testing. Allele origin: germline. Not counted in ClinVar's aggregate classification.

Blueprint Genetics
Classification: Likely benign. Last evaluated: 2024-09-03. Review status: criteria provided, single submitter. Criteria: ACMG Guidelines, 2015. Collection method: clinical testing. Allele origin: germline. Not counted in ClinVar's aggregate classification.

Genetic Services Laboratory, University of Chicago
Classification: Benign. Last evaluated: 2015-08-10. Review status: criteria provided, single submitter. Criteria: ACMG Guidelines, 2015. Collection method: clinical testing. Allele origin: germline. Not counted in ClinVar's aggregate classification.

Eurofins Ntd Llc (ga)
Classification: Benign. Last evaluated: 2015-03-10. Review status: criteria provided, single submitter. Criteria: EGL Classification Definitions 2015. Collection method: clinical testing. Allele origin: germline. Observed: 1 variant allele, 1 hemizygote. Not counted in ClinVar's aggregate classification.

GeneDx
Classification: Benign. Last evaluated: 2013-09-25. Review status: criteria provided, single submitter. Criteria: GeneDx Variant Classification (06012015). Collection method: clinical testing. Allele origin: germline. Affected: yes. Not counted in ClinVar's aggregate classification.
Comment: This variant is considered likely benign or benign based on one or more of the following criteria: it is a conservative change, it occurs at a poorly conserved position in the protein, it is predicted to be benign by multiple in silico algorithms, and/or has population frequency not consistent with disease.

PreventionGenetics, part of Exact Sciences
Classification: Benign for CDKL5-related condition. Last evaluated: 2019-04-26. Review status: no assertion criteria provided. Collection method: clinical testing. Allele origin: germline. Not counted in ClinVar's aggregate classification.
Comment: This variant is classified as benign based on ACMG/AMP sequence variant interpretation guidelines (Richards et al. 2015 PMID: 25741868, with internal and published modifications).